The following is an entry in ClinVar:

NM_004104.5(FASN):c.6286G>A (p.Asp2096Asn)

Gene: FASN (fatty acid synthase; minus strand). Cytogenetic location: 17q25.3.
Variant type: single nucleotide variant.
Coding change: c.6286G>A on transcript NM_004104.5 (MANE Select); coding-DNA position 6286, G replaced by A.
Protein change: p.Asp2096Asn; replaces aspartic acid 2096 with asparagine.
Molecular consequence: missense variant.
Genome position (GRCh38, 1-based): chr17:82,081,721, C>T on the plus strand (G>A on the coding strand, the complement: FASN is on the minus strand). VCF-style: chr17-82081721-C-T. GRCh37 (hg19) VCF-style: chr17-80039597-C-T.
Other names: short protein forms D2096N.
Identifiers: ClinVar variation 1037989 (VCV001037989.8), dbSNP rs1274886343, ClinGen allele CA401600978.

ClinVar aggregate classification (germline): Uncertain significance (1 of 4 stars; one submission).

Conditions:
Epileptic encephalopathy. Identifiers: MedGen C0543888, HP:0200134.

Allele frequency attached by ClinVar (database versions not stated): gnomAD exomes below 0.00001.
gnomAD v4.1: 2 of 1,612,722 alleles (0.00012%); highest among the groups gnomAD compares: Non-Finnish European, 0.00017%; no homozygotes.

Submission:

Labcorp Genetics (formerly Invitae), Labcorp
Classification: Uncertain significance for Epileptic encephalopathy. Last evaluated: 2020-01-28. Review status: criteria provided, single submitter. Criteria: Invitae Variant Classification Sherloc (09022015). Collection method: clinical testing. Allele origin: germline.
Comment: In summary, the available evidence is currently insufficient to determine the role of this variant in disease. Therefore, it has been classified as a Variant of Uncertain Significance. Algorithms developed to predict the effect of missense changes on protein structure and function do not agree on the potential impact of this missense change (SIFT: "Deleterious"; PolyPhen-2: "Possibly Damaging"; Align-GVGD: "Class C0"). This variant has not been reported in the literature in individuals with FASN-related disease. This variant is not present in population databases (ExAC no frequency). This sequence change replaces aspartic acid with asparagine at codon 2096 of the FASN protein (p.Asp2096Asn). The aspartic acid residue is highly conserved and there is a small physicochemical difference between aspartic acid and asparagine.